The following is an entry in ClinVar:

NM_019032.6(ADAMTSL4):c.1900C>T (p.Arg634Cys)

Genes: ADAMTSL4 (ADAMTS like 4; plus strand), ADAMTSL4-AS2 (ADAMTSL4 antisense RNA 2; minus strand). Cytogenetic location: 1q21.2.
Variant type: single nucleotide variant.
Coding change: c.1900C>T on transcript NM_019032.6 (MANE Select); coding-DNA position 1900, C replaced by T.
Protein change: p.Arg634Cys; replaces arginine 634 with cysteine.
Molecular consequence: missense variant. On other transcripts: intron variant (1).
Genome position (GRCh38, 1-based): chr1:150,557,188, C>T. VCF-style: chr1-150557188-C-T. GRCh37 (hg19) VCF-style: chr1-150529664-C-T.
Other names: c.1969C>T, p.Arg657Cys (NM_001288608.2); c.1900C>T, p.Arg634Cys (NM_001378596.1, NM_025008.5); c.1857-74C>T (NM_001288607.2); c.1900C>T (NM_019032.4); short protein forms R657C, R634C.
Identifiers: ClinVar variation 1415349 (VCV001415349.4), dbSNP rs140528374, ClinGen allele CA1078452.

ClinVar aggregate classification (germline): Uncertain significance. Review status: criteria provided, multiple submitters, no conflicts (2 of 4 stars). 2 submissions from 2 submitters: Uncertain significance (2). Last evaluated 2024-10-01.

Conditions:
Inborn genetic diseases. Identifiers: MedGen C0950123, MeSH D030342.

Allele frequency attached by ClinVar (database versions not stated): gnomAD 0.00003 and 0.00004; ExAC 0.00004; TOPMed 0.00005; gnomAD exomes 0.00006; ESP Exome Variant Server 0.00008.
gnomAD v4.1: 52 of 1,611,620 alleles (0.0032%); highest among the groups gnomAD compares: Middle Eastern, 0.017%; no homozygotes.

Submissions (2):

Ambry Genetics
Classification: Uncertain significance for Inborn genetic diseases. Last evaluated: 2024-10-01. Review status: criteria provided, single submitter. Criteria: Ambry Variant Classification Scheme 2023. Collection method: clinical testing. Allele origin: germline.

Labcorp Genetics (formerly Invitae), Labcorp
Classification: Uncertain significance. Last evaluated: 2022-03-09. Review status: criteria provided, single submitter. Criteria: Invitae Variant Classification Sherloc (09022015). Collection method: clinical testing. Allele origin: germline.
Comment: This sequence change replaces arginine, which is basic and polar, with cysteine, which is neutral and slightly polar, at codon 634 of the ADAMTSL4 protein (p.Arg634Cys). This variant is present in population databases (rs140528374, gnomAD 0.02%). This variant has not been reported in the literature in individuals affected with ADAMTSL4-related conditions. Algorithms developed to predict the effect of missense changes on protein structure and function (SIFT, PolyPhen-2, Align-GVGD) all suggest that this variant is likely to be disruptive. In summary, the available evidence is currently insufficient to determine the role of this variant in disease. Therefore, it has been classified as a Variant of Uncertain Significance.